The following is an entry in ClinVar:

ClinVar aggregate classification (germline): Uncertain significance (1 of 4 stars; one submission).

Submission:

GeneDx
Classification: Uncertain significance. Last evaluated: 2024-12-16. Review status: criteria provided, single submitter. Criteria: GeneDx Variant Classification Process June 2021. Collection method: clinical testing. Allele origin: germline. Affected: yes.
Comment: Not observed at significant frequency in large population cohorts (gnomAD); In silico analysis indicates that this missense variant does not alter protein structure/function; Has not been previously published as pathogenic or benign to our knowledge

NM_000834.5(GRIN2B):c.4115T>G (p.Met1372Arg)

Gene: GRIN2B (glutamate ionotropic receptor NMDA type subunit 2B; minus strand). Cytogenetic location: 12p13.1.
Variant type: single nucleotide variant.
Coding change: c.4115T>G on transcript NM_000834.5 (MANE Select); coding-DNA position 4115, T replaced by G.
Protein change: p.Met1372Arg; replaces methionine 1372 with arginine.
Molecular consequence: missense variant.
Genome position (GRCh38, 1-based): chr12:13,563,123, A>C on the plus strand (T>G on the coding strand, the complement: GRIN2B is on the minus strand). VCF-style: chr12-13563123-A-C. GRCh37 (hg19) VCF-style: chr12-13716057-A-C.
Other names: c.4115T>G, p.Met1372Arg (NM_001413992.1); short protein forms M1372R.
Identifiers: ClinVar variation 3906733 (VCV003906733.1).